The following is an entry in ClinVar:

ClinVar aggregate classification (germline): Uncertain significance. Review status: criteria provided, multiple submitters, no conflicts (2 of 4 stars). 2 submissions from 2 submitters: Uncertain significance (2). Last evaluated 2024-06-01.

Conditions:
Inborn genetic diseases. Identifiers: MedGen C0950123, MeSH D030342.

gnomAD v4.1: 3 of 1,205,637 alleles (0.00025%); highest among the groups gnomAD compares: Non-Finnish European, 0.00034%; no homozygotes.

Submissions (2):

CeGaT Center for Human Genetics Tuebingen
Classification: Uncertain significance. Last evaluated: 2024-06-01. Review status: criteria provided, single submitter. Criteria: CeGaT Center For Human Genetics Tuebingen Variant Classification Criteria Version 2. Collection method: clinical testing. Allele origin: germline. Affected: yes. Observed: 1 variant allele.
Comment: FRMPD4: PM2, BP4

Ambry Genetics
Classification: Uncertain significance for Inborn genetic diseases. Last evaluated: 2021-09-27. Review status: criteria provided, single submitter. Criteria: Ambry Variant Classification Scheme 2023. Collection method: clinical testing. Allele origin: germline.

NM_001368397.1(FRMPD4):c.1736C>A (p.Thr579Lys)

Gene: FRMPD4 (FERM and PDZ domain containing 4; plus strand). Cytogenetic location: Xp22.2.
Variant type: single nucleotide variant.
Coding change: c.1736C>A on transcript NM_001368397.1 (MANE Select); coding-DNA position 1736, C replaced by A.
Protein change: p.Thr579Lys; replaces threonine 579 with lysine.
Molecular consequence: missense variant.
Genome position (GRCh38, 1-based): chrX:12,716,195, C>A. VCF-style: chrX-12716195-C-A. GRCh37 (hg19) VCF-style: chrX-12734314-C-A.
Other names: c.1847C>A, p.Thr616Lys (NM_001368395.3, NM_001368398.3); c.1742C>A, p.Thr581Lys (NM_001368396.3); c.1727C>A, p.Thr576Lys (NM_001368399.3); c.1616C>A, p.Thr539Lys (NM_001368400.3); c.1712C>A, p.Thr571Lys (NM_001368401.1, NM_001368402.3); c.1736C>A, p.Thr579Lys (NM_014728.3); short protein forms T539K, T616K, T571K, T576K, T579K, T581K.
Identifiers: ClinVar variation 2252345 (VCV002252345.20), dbSNP rs149409320, ClinGen allele CA412309319.